The following is an entry in ClinVar:

ClinVar aggregate classification (germline): Uncertain significance (1 of 4 stars; one submission).

Conditions:
Hereditary cancer-predisposing syndrome. Also called: Tumor predisposition; Neoplastic Syndromes, Hereditary; Hereditary neoplastic syndrome; Hereditary Cancer Syndrome. Identifiers: Orphanet 140162, MedGen C0027672, MeSH D009386, MONDO:0015356.

Submission:

Ambry Genetics
Classification: Uncertain significance for Hereditary cancer-predisposing syndrome. Last evaluated: 2025-08-27. Review status: criteria provided, single submitter. Criteria: Ambry Variant Classification Scheme 2023. Collection method: clinical testing. Allele origin: germline.
Comment: The p.W349L variant (also known as c.1046G>T), located in coding exon 12 of the MUTYH gene, results from a G to T substitution at nucleotide position 1046. The tryptophan at codon 349 is replaced by leucine, an amino acid with similar properties. This amino acid position is conserved. In addition, the in silico prediction for this alteration is inconclusive. Based on the available evidence, the clinical significance of this variant remains unclear.

NM_001048174.2(MUTYH):c.962G>T (p.Trp321Leu)

Gene: MUTYH (mutY DNA glycosylase; minus strand). Cytogenetic location: 1p34.1.
Variant type: single nucleotide variant.
Coding change: c.962G>T on transcript NM_001048174.2 (MANE Select); coding-DNA position 962, G replaced by T.
Protein change: p.Trp321Leu; replaces tryptophan 321 with leucine.
Molecular consequence: missense variant. On other transcripts: non-coding transcript variant (7).
Genome position (GRCh38, 1-based): chr1:45,331,801, C>A on the plus strand (G>T on the coding strand, the complement: MUTYH is on the minus strand). VCF-style: chr1-45331801-C-A. GRCh37 (hg19) VCF-style: chr1-45797473-C-A.
Other names: c.965G>T, p.Trp322Leu (NM_001048172.2, NM_001407078.1, NM_001407086.1 and 1 more transcripts); c.962G>T, p.Trp321Leu (NM_001048173.2, NM_001293195.2, NM_001407081.1 and 6 more transcripts); c.1046G>T, p.Trp349Leu (NM_001128425.2); c.1007G>T, p.Trp336Leu (NM_001293190.2); c.995G>T, p.Trp332Leu (NM_001293191.2, NM_001407077.1, NM_001407069.1); c.686G>T, p.Trp229Leu (NM_001293192.2, NM_001407091.1, NM_001293196.2); c.923G>T, p.Trp308Leu (NM_001407079.1); c.920G>T, p.Trp307Leu (NM_001407080.1); and 5 more; short protein forms W321L, W328L, W206L, W293L, W307L, W332L, W336L, W346L.
Identifiers: ClinVar variation 4112958 (VCV004112958.1).